The following is an entry in ClinVar:

NM_032444.4(SLX4):c.4791G>C (p.Glu1597Asp)

Gene: SLX4 (SLX4 structure-specific endonuclease subunit; minus strand). Cytogenetic location: 16p13.3.
Variant type: single nucleotide variant.
Coding change: c.4791G>C on transcript NM_032444.4 (MANE Select); coding-DNA position 4791, G replaced by C.
Protein change: p.Glu1597Asp; replaces glutamic acid 1597 with aspartic acid.
Molecular consequence: missense variant.
Genome position (GRCh38, 1-based): chr16:3,583,459, C>G on the plus strand (G>C on the coding strand, the complement: SLX4 is on the minus strand). VCF-style: chr16-3583459-C-G. GRCh37 (hg19) VCF-style: chr16-3633460-C-G.
Other names: short protein forms E1597D.
Identifiers: ClinVar variation 2853482 (VCV002853482.3), dbSNP rs2040467605, ClinGen allele CA394515425.
Genomic context (GRCh38, chr16:3,583,459, plus strand): 5'-TGAGGACTGGCTCTCGTCCTCGGAGTCTGAGTCCAGGGTCTGGTGAGTGTACTGGAATAT[C>G]TCCTTCAGCTTCAGAACCATCTGGCGTTTAGGCAGAGGGCGGACTCCAAACCTGACGGAG-3'
Protein context (NP_115820.2, residues 1587-1607): PKRQMVLKLK[Glu1597Asp]IFQYTHQTLD

ClinVar aggregate classification (germline): Uncertain significance (1 of 4 stars; one submission).

Conditions:
Fanconi anemia (FA). Also called: Fanconi's anemia. Identifiers: Orphanet 84, MedGen C0015625, MeSH D005199, MONDO:0019391.

Submission:

Labcorp Genetics (formerly Invitae), Labcorp
Classification: Uncertain significance for Fanconi anemia. Last evaluated: 2023-04-07. Review status: criteria provided, single submitter. Criteria: Invitae Variant Classification Sherloc (09022015). Collection method: clinical testing. Allele origin: germline.
Comment: In summary, the available evidence is currently insufficient to determine the role of this variant in disease. Therefore, it has been classified as a Variant of Uncertain Significance. An algorithm developed to predict the effect of missense changes on protein structure and function (PolyPhen-2) suggests that this variant is likely to be disruptive. This variant has not been reported in the literature in individuals affected with SLX4-related conditions. This variant is not present in population databases (gnomAD no frequency). This sequence change replaces glutamic acid, which is acidic and polar, with aspartic acid, which is acidic and polar, at codon 1597 of the SLX4 protein (p.Glu1597Asp).